The following is an entry in ClinVar:

NM_018713.3(SLC30A10):c.1318T>C (p.Tyr440His)

Gene: SLC30A10 (solute carrier family 30 member 10; minus strand). Cytogenetic location: 1q41.
Variant type: single nucleotide variant.
Coding change: c.1318T>C on transcript NM_018713.3 (MANE Select); coding-DNA position 1318, T replaced by C.
Protein change: p.Tyr440His; replaces tyrosine 440 with histidine.
Molecular consequence: missense variant. On other transcripts: non-coding transcript variant (2).
Genome position (GRCh38, 1-based): chr1:219,915,589, A>G on the plus strand (T>C on the coding strand, the complement: SLC30A10 is on the minus strand). VCF-style: chr1-219915589-A-G. GRCh37 (hg19) VCF-style: chr1-220088931-A-G.
Other names: c.1318T>C (NM_018713.2); c.1129T>C, p.Tyr377His (NM_001376929.1); short protein forms Y440H, Y377H.
Identifiers: ClinVar variation 1481952 (VCV001481952.9), dbSNP rs1273946507, ClinGen allele CA344731524.

ClinVar aggregate classification (germline): Uncertain significance. Review status: criteria provided, multiple submitters, no conflicts (2 of 4 stars). 2 submissions from 2 submitters: Uncertain significance (2). Last evaluated 2023-11-09.

Conditions:
Inborn genetic diseases. Identifiers: MedGen C0950123, MeSH D030342.

Allele frequency attached by ClinVar (database versions not stated): gnomAD 0.00001 and 0.00002; gnomAD exomes 0.00002 and 0.00001; TOPMed 0.00001.
gnomAD v4.1: 12 of 1,614,234 alleles (0.00074%); highest among the groups gnomAD compares: East Asian, 0.018%; no homozygotes.

Submissions (2):

Ambry Genetics
Classification: Uncertain significance for Inborn genetic diseases. Last evaluated: 2023-11-09. Review status: criteria provided, single submitter. Criteria: Ambry Variant Classification Scheme 2023. Collection method: clinical testing. Allele origin: germline.

Labcorp Genetics (formerly Invitae), Labcorp
Classification: Uncertain significance. Last evaluated: 2022-08-09. Review status: criteria provided, single submitter. Criteria: Invitae Variant Classification Sherloc (09022015). Collection method: clinical testing. Allele origin: germline.
Comment: In summary, the available evidence is currently insufficient to determine the role of this variant in disease. Therefore, it has been classified as a Variant of Uncertain Significance. Algorithms developed to predict the effect of missense changes on protein structure and function output the following: SIFT: "Deleterious"; PolyPhen-2: "Benign"; Align-GVGD: "Class C0". The histidine amino acid residue is found in multiple mammalian species, which suggests that this missense change does not adversely affect protein function. ClinVar contains an entry for this variant (Variation ID: 1481952). This variant has not been reported in the literature in individuals affected with SLC30A10-related conditions. This variant is present in population databases (no rsID available, gnomAD 0.03%). This sequence change replaces tyrosine, which is neutral and polar, with histidine, which is basic and polar, at codon 440 of the SLC30A10 protein (p.Tyr440His).